The following is an entry in ClinVar:

NM_014028.4(OSTM1):c.524T>C (p.Leu175Ser)

Gene: OSTM1 (osteoclastogenesis associated transmembrane protein 1; minus strand). Cytogenetic location: 6q21.
Variant type: single nucleotide variant.
Coding change: c.524T>C on transcript NM_014028.4 (MANE Select); coding-DNA position 524, T replaced by C.
Protein change: p.Leu175Ser; replaces leucine 175 with serine.
Molecular consequence: missense variant.
Genome position (GRCh38, 1-based): chr6:108,054,581, A>G on the plus strand (T>C on the coding strand, the complement: OSTM1 is on the minus strand). VCF-style: chr6-108054581-A-G. GRCh37 (hg19) VCF-style: chr6-108375785-A-G.
Other names: short protein forms L175S.
Identifiers: ClinVar variation 1698648 (VCV001698648.2), dbSNP rs2114596894, ClinGen allele CA365328124.

ClinVar aggregate classification (germline): Uncertain significance. Review status: criteria provided, multiple submitters, no conflicts (2 of 4 stars). 2 submissions from 2 submitters: Uncertain significance (2). Last evaluated 2022-09-13.

Submissions (2):

GeneDx
Classification: Uncertain significance. Last evaluated: 2022-09-13. Review status: criteria provided, single submitter. Criteria: GeneDx Variant Classification Process June 2021. Collection method: clinical testing. Allele origin: germline. Affected: yes.
Comment: Not observed at significant frequency in large population cohorts (gnomAD); In silico analysis supports that this missense variant has a deleterious effect on protein structure/function; Has not been previously published as pathogenic or benign to our knowledge

Women's Health and Genetics/Laboratory Corporation of America, LabCorp
Classification: Uncertain significance. Last evaluated: 2022-06-02. Review status: criteria provided, single submitter. Criteria: LabCorp Variant Classification Summary - May 2015. Collection method: clinical testing. Allele origin: germline.
Comment: Variant summary: OSTM1 c.524T>C (p.Leu175Ser) results in a non-conservative amino acid change in the encoded protein sequence. Four of five in-silico tools predict a damaging effect of the variant on protein function. The variant was absent in 248686 control chromosomes (gnomAD). The available data on variant occurrences in the general population are insufficient to allow any conclusion about variant significance. To our knowledge, no occurrence of c.524T>C in individuals affected with Osteopetrosis and no experimental evidence demonstrating its impact on protein function have been reported. No clinical diagnostic laboratories have submitted clinical-significance assessments for this variant to ClinVar after 2014. Based on the evidence outlined above, the variant was classified as uncertain significance.